The following is an entry in ClinVar:

NM_006158.5(NEFL):c.1196G>C (p.Arg399Pro)

Gene: NEFL (neurofilament light chain; minus strand). Cytogenetic location: 8p21.2.
Variant type: single nucleotide variant.
Coding change: c.1196G>C on transcript NM_006158.5 (MANE Select); coding-DNA position 1196, G replaced by C.
Protein change: p.Arg399Pro; replaces arginine 399 with proline.
Molecular consequence: missense variant.
Genome position (GRCh38, 1-based): chr8:24,953,769, C>G on the plus strand (G>C on the coding strand, the complement: NEFL is on the minus strand). VCF-style: chr8-24953769-C-G. GRCh37 (hg19) VCF-style: chr8-24811283-C-G.
Other names: short protein forms R399P.
Identifiers: ClinVar variation 916808 (VCV000916808.7), dbSNP rs372997416, ClinGen allele CA370620654.
Genomic context (GRCh38, chr8:24,953,769, plus strand): 5'-AAGACCTGGGAGCTCTGGGAGTAGCCACTGGTTATGCTTCCCACGCTGGTGAAACTGAGT[C>G]GGGTCTCCTCGCCTTCCAAGAGTTTCCTGGGGATGCAGATGCAAGGTGAGGTTAAAAAAC-3'
Protein context (NP_006149.2, residues 389-409): YRKLLEGEET[Arg399Pro]LSFTSVGSIT

ClinVar aggregate classification (germline): Uncertain significance. Review status: criteria provided, multiple submitters, no conflicts (2 of 4 stars). 3 submissions from 3 submitters: Uncertain significance (3). Last evaluated 2023-04-14.

Conditions:
Charcot-Marie-Tooth disease. Also called: Charcot-Marie-Tooth Hereditary Neuropathy; Charcot-Marie-Tooth Neuropathy. Identifiers: Orphanet 166, MedGen C0007959, MONDO:0015626.
Charcot-Marie-Tooth disease type 2E (CMT2E). Also called: CHARCOT-MARIE-TOOTH DISEASE, AXONAL, TYPE 2E; CHARCOT-MARIE-TOOTH NEUROPATHY, TYPE 2E. Identifiers: Orphanet 99939, MedGen C1843225, MONDO:0011894, OMIM 607684.

Submissions (3):

Labcorp Genetics (formerly Invitae), Labcorp
Classification: Uncertain significance for Charcot-Marie-Tooth disease type 2E. Last evaluated: 2023-04-14. Review status: criteria provided, single submitter. Criteria: Invitae Variant Classification Sherloc (09022015). Collection method: clinical testing. Allele origin: germline.
Comment: This sequence change replaces arginine, which is basic and polar, with proline, which is neutral and non-polar, at codon 399 of the NEFL protein (p.Arg399Pro). In summary, the available evidence is currently insufficient to determine the role of this variant in disease. Therefore, it has been classified as a Variant of Uncertain Significance. Advanced modeling of protein sequence and biophysical properties (such as structural, functional, and spatial information, amino acid conservation, physicochemical variation, residue mobility, and thermodynamic stability) performed at Invitae indicates that this missense variant is expected to disrupt NEFL protein function. ClinVar contains an entry for this variant (Variation ID: 916808). This missense change has been observed in individual(s) with clinical features of Charcot-Marie-Tooth disease (PMID: 32376792). This variant is not present in population databases (gnomAD no frequency).

Athena Diagnostics
Classification: Uncertain significance. Last evaluated: 2021-05-21. Review status: criteria provided, single submitter. Criteria: Athena Diagnostics criteria. Collection method: clinical testing. Allele origin: unknown.

Molecular Genetics Laboratory, London Health Sciences Centre
Classification: Uncertain significance for Charcot-Marie-Tooth disease. Review status: criteria provided, single submitter. Criteria: ACMG Guidelines, 2015. Collection method: clinical testing. Allele origin: germline. Affected: yes.

Literature cited by the submitters: PubMed 32376792 (cited by Labcorp Genetics (formerly Invitae), Labcorp).